The following is an entry in ClinVar:

ClinVar aggregate classification (germline): Uncertain significance (1 of 4 stars; one submission).

Conditions:
Hereditary cancer-predisposing syndrome. Also called: Tumor predisposition; Hereditary neoplastic syndrome; Neoplastic Syndromes, Hereditary; Hereditary Cancer Syndrome. Identifiers: Orphanet 140162, MedGen C0027672, MeSH D009386, MONDO:0015356.

gnomAD v4.1: 1 of 1,613,784 alleles (0.000062%); highest among the groups gnomAD compares: Non-Finnish European, 0.000085%; no homozygotes.

Submission:

Labcorp Genetics (formerly Invitae), Labcorp
Classification: Uncertain significance for Hereditary cancer-predisposing syndrome. Last evaluated: 2021-05-12. Review status: criteria provided, single submitter. Criteria: Invitae Variant Classification Sherloc (09022015). Collection method: clinical testing. Allele origin: germline.
Comment: This variant has not been reported in the literature in individuals with RAD50-related conditions. Algorithms developed to predict the effect of missense changes on protein structure and function output the following: SIFT: "Tolerated"; PolyPhen-2: "Benign"; Align-GVGD: "Class C0". The arginine amino acid residue is found in multiple mammalian species, suggesting that this missense change does not adversely affect protein function. These predictions have not been confirmed by published functional studies and their clinical significance is uncertain. In summary, the available evidence is currently insufficient to determine the role of this variant in disease. Therefore, it has been classified as a Variant of Uncertain Significance. This sequence change replaces glutamine with arginine at codon 466 of the RAD50 protein (p.Gln466Arg). The glutamine residue is moderately conserved and there is a small physicochemical difference between glutamine and arginine. This variant is not present in population databases (ExAC no frequency).

NM_005732.4(RAD50):c.1397A>G (p.Gln466Arg)

Gene: RAD50 (RAD50 double strand break repair protein; plus strand). Cytogenetic location: 5q31.1.
Variant type: single nucleotide variant.
Coding change: c.1397A>G on transcript NM_005732.4 (MANE Select); coding-DNA position 1397, A replaced by G.
Protein change: p.Gln466Arg; replaces glutamine 466 with arginine.
Molecular consequence: missense variant.
Genome position (GRCh38, 1-based): chr5:132,589,782, A>G. VCF-style: chr5-132589782-A-G. GRCh37 (hg19) VCF-style: chr5-131925474-A-G.
Other names: short protein forms Q466R.
Identifiers: ClinVar variation 858629 (VCV000858629.10), dbSNP rs752489625, ClinGen allele CA360944636.